The following is an entry in ClinVar:

NM_014140.4(SMARCAL1):c.1622C>A (p.Thr541Asn)

Gene: SMARCAL1 (SNF2 related chromatin remodeling annealing helicase 1; plus strand). Cytogenetic location: 2q35.
Variant type: single nucleotide variant.
Coding change: c.1622C>A on transcript NM_014140.4 (MANE Select); coding-DNA position 1622, C replaced by A.
Protein change: p.Thr541Asn; replaces threonine 541 with asparagine.
Molecular consequence: missense variant.
Genome position (GRCh38, 1-based): chr2:216,435,474, C>A. VCF-style: chr2-216435474-C-A. GRCh37 (hg19) VCF-style: chr2-217300197-C-A.
Other names: c.1622C>A, p.Thr541Asn (NM_001127207.2); short protein forms T541N.
Identifiers: ClinVar variation 963616 (VCV000963616.8), dbSNP rs753062232, ClinGen allele CA2097931.

ClinVar aggregate classification (germline): Uncertain significance. Review status: criteria provided, multiple submitters, no conflicts (2 of 4 stars). 2 submissions from 2 submitters: Uncertain significance (2). Last evaluated 2024-10-01.

Conditions:
Inborn genetic diseases. Identifiers: MedGen C0950123, MeSH D030342.
Schimke immuno-osseous dysplasia (SIOD). Also called: Schimke Immunoosseous Dysplasia. Identifiers: Orphanet 1830, MedGen C0877024, MONDO:0009458, OMIM 242900.

Allele frequency attached by ClinVar (database versions not stated): gnomAD exomes below 0.00001; ExAC 0.00001; gnomAD 0.00001; TOPMed 0.00001.
gnomAD v4.1: 4 of 1,613,998 alleles (0.00025%); highest among the groups gnomAD compares: Non-Finnish European, 0.00025%; no homozygotes.

Submissions (2):

Ambry Genetics
Classification: Uncertain significance for Inborn genetic diseases. Last evaluated: 2024-10-01. Review status: criteria provided, single submitter. Criteria: Ambry Variant Classification Scheme 2023. Collection method: clinical testing. Allele origin: germline.

Labcorp Genetics (formerly Invitae), Labcorp
Classification: Uncertain significance for Schimke immuno-osseous dysplasia. Last evaluated: 2021-09-01. Review status: criteria provided, single submitter. Criteria: Invitae Variant Classification Sherloc (09022015). Collection method: clinical testing. Allele origin: germline.
Comment: This sequence change replaces threonine with asparagine at codon 541 of the SMARCAL1 protein (p.Thr541Asn). The threonine residue is weakly conserved and there is a small physicochemical difference between threonine and asparagine. This variant is present in population databases (rs753062232, ExAC 0.001%). This variant has not been reported in the literature in individuals affected with SMARCAL1-related conditions. Algorithms developed to predict the effect of missense changes on protein structure and function (SIFT, PolyPhen-2, Align-GVGD) all suggest that this variant is likely to be tolerated. In summary, the available evidence is currently insufficient to determine the role of this variant in disease. Therefore, it has been classified as a Variant of Uncertain Significance.